The following is an entry in ClinVar:

NM_000038.6(APC):c.834+4667T>C

Gene: APC (APC regulator of WNT signaling pathway; plus strand). Cytogenetic location: 5q22.2.
Variant type: single nucleotide variant.
Coding change: c.834+4667T>C on transcript NM_000038.6 (MANE Select); 4667 bases into the intron after coding-DNA position 834, T replaced by C.
Molecular consequence: intron variant.
Genome position (GRCh38, 1-based): chr5:112,806,050, T>C. VCF-style: chr5-112806050-T-C. GRCh37 (hg19) VCF-style: chr5-112141747-T-C.
Other names: c.834+4667T>C (NM_001354895.2, NM_001127510.3, NM_001354896.2 and 1 more transcripts); c.864+4667T>C (NM_001354897.2, NM_001354902.2); c.780+4667T>C (NM_001127511.3); c.759+4667T>C (NM_001354898.2, NM_001354904.2); c.-201-4076T>C (NM_001354906.2); c.750+4667T>C (NM_001354899.2); c.657+4667T>C (NM_001354900.2, NM_001354901.2, NM_001354905.2).
Identifiers: ClinVar variation 83058 (VCV000083058.2), dbSNP rs77026538, ClinGen allele CA014801.

ClinVar aggregate classification (germline): other (0 of 4 stars; one submission).

Conditions:
Familial colorectal cancer. Identifiers: MedGen CN280943, MONDO:0023113. Disease mechanism: loss of function.

Submission:

Systems Biology Platform Zhejiang California International NanoSystems Institute
Classification: other for Familial colorectal cancer. Review status: no assertion criteria provided. Collection method: not provided. Allele origin: unknown.
ClinVar note: Converted during submission from cancer to other.